The following is an entry in ClinVar:

ClinVar aggregate classification (germline): Uncertain significance (1 of 4 stars; one submission).

gnomAD v4.1: 3 of 1,477,628 alleles (0.0002%); highest among the groups gnomAD compares: Non-Finnish European, 0.00028%; no homozygotes.

Submission:

Labcorp Genetics (formerly Invitae), Labcorp
Classification: Uncertain significance. Last evaluated: 2025-03-05. Review status: criteria provided, single submitter. Criteria: Invitae Variant Classification Sherloc (09022015). Collection method: clinical testing. Allele origin: germline.
Comment: This sequence change replaces serine, which is neutral and polar, with asparagine, which is neutral and polar, at codon 189 of the CREB3L3 protein (p.Ser189Asn). This variant is not present in population databases (gnomAD no frequency). This variant has not been reported in the literature in individuals affected with CREB3L3-related conditions. Invitae Evidence Modeling of protein sequence and biophysical properties (such as structural, functional, and spatial information, amino acid conservation, physicochemical variation, residue mobility, and thermodynamic stability) indicates that this missense variant is not expected to disrupt CREB3L3 protein function with a negative predictive value of 80%. In summary, the available evidence is currently insufficient to determine the role of this variant in disease. Therefore, it has been classified as a Variant of Uncertain Significance.

NM_032607.3(CREB3L3):c.566G>A (p.Ser189Asn)

Gene: CREB3L3 (cAMP responsive element binding protein 3 like 3; plus strand). Cytogenetic location: 19p13.3.
Variant type: single nucleotide variant.
Coding change: c.566G>A on transcript NM_032607.3 (MANE Select); coding-DNA position 566, G replaced by A.
Protein change: p.Ser189Asn; replaces serine 189 with asparagine.
Molecular consequence: missense variant.
Genome position (GRCh38, 1-based): chr19:4,159,772, G>A. VCF-style: chr19-4159772-G-A. GRCh37 (hg19) VCF-style: chr19-4159769-G-A.
Other names: c.563G>A, p.Ser188Asn (NM_001271995.2); c.566G>A, p.Ser189Asn (NM_001271996.2, NM_001271997.2); short protein forms S188N, S189N.
Identifiers: ClinVar variation 4703842 (VCV004703842.1).